The following is an entry in ClinVar:

NM_000057.4(BLM):c.3468T>A (p.Asp1156Glu)

Gene: BLM (BLM RecQ like helicase; plus strand). Cytogenetic location: 15q26.1.
Variant type: single nucleotide variant.
Coding change: c.3468T>A on transcript NM_000057.4 (MANE Select); coding-DNA position 3468, T replaced by A.
Protein change: p.Asp1156Glu; replaces aspartic acid 1156 with glutamic acid.
Molecular consequence: missense variant. On other transcripts: intron variant (1).
Genome position (GRCh38, 1-based): chr15:90,803,630, T>A. VCF-style: chr15-90803630-T-A. GRCh37 (hg19) VCF-style: chr15-91346860-T-A.
Other names: c.3468T>A, p.Asp1156Glu (NM_001287246.2); c.2343T>A, p.Asp781Glu (NM_001287248.2); c.3358+5293T>A (NM_001287247.2); short protein forms D1156E, D781E.
Identifiers: ClinVar variation 1025552 (VCV001025552.9), dbSNP rs1325465971, ClinGen allele CA393847662.

ClinVar aggregate classification (germline): Uncertain significance (1 of 4 stars; one submission).

Conditions:
Bloom syndrome (BLM). Also called: Bloom-Torre-Machacek syndrome. Identifiers: Orphanet 125, MedGen C0005859, MONDO:0008876, OMIM 210900.

Submission:

Labcorp Genetics (formerly Invitae), Labcorp
Classification: Uncertain significance for Bloom syndrome. Last evaluated: 2020-02-29. Review status: criteria provided, single submitter. Criteria: Invitae Variant Classification Sherloc (09022015). Collection method: clinical testing. Allele origin: germline.
Comment: This sequence change replaces aspartic acid with glutamic acid at codon 1156 of the BLM protein (p.Asp1156Glu). The aspartic acid residue is moderately conserved and there is a small physicochemical difference between aspartic acid and glutamic acid. This variant is not present in population databases (ExAC no frequency). This variant has not been reported in the literature in individuals with BLM-related conditions. Algorithms developed to predict the effect of missense changes on protein structure and function (SIFT, PolyPhen-2, Align-GVGD) all suggest that this variant is likely to be tolerated, but these predictions have not been confirmed by published functional studies and their clinical significance is uncertain. In summary, the available evidence is currently insufficient to determine the role of this variant in disease. Therefore, it has been classified as a Variant of Uncertain Significance.